The following is an entry in ClinVar:

ClinVar aggregate classification (germline): Uncertain significance (1 of 4 stars; one submission).

Conditions:
Familial cancer of breast. Also called: Hereditary breast cancer; hereditary breast carcinoma; BREAST CANCER, FAMILIAL. Identifiers: Orphanet 227535, MedGen C0346153, MONDO:0016419, OMIM 114480. Disease mechanism: loss of function.

Submission:

Labcorp Genetics (formerly Invitae), Labcorp
Classification: Uncertain significance for Familial cancer of breast. Last evaluated: 2024-01-31. Review status: criteria provided, single submitter. Criteria: Invitae Variant Classification Sherloc (09022015). Collection method: clinical testing. Allele origin: germline.
Comment: This sequence change replaces leucine, which is neutral and non-polar, with proline, which is neutral and non-polar, at codon 206 of the PALB2 protein (p.Leu206Pro). This variant is not present in population databases (gnomAD no frequency). This variant has not been reported in the literature in individuals affected with PALB2-related conditions. An algorithm developed to predict the effect of missense changes on protein structure and function (PolyPhen-2) suggests that this variant is likely to be disruptive. In summary, the available evidence is currently insufficient to determine the role of this variant in disease. Therefore, it has been classified as a Variant of Uncertain Significance.

NM_024675.4(PALB2):c.617T>C (p.Leu206Pro)

Gene: PALB2 (partner and localizer of BRCA2; minus strand). Cytogenetic location: 16p12.2.
Variant type: single nucleotide variant.
Coding change: c.617T>C on transcript NM_024675.4 (MANE Select); coding-DNA position 617, T replaced by C.
Protein change: p.Leu206Pro; replaces leucine 206 with proline.
Molecular consequence: missense variant. On other transcripts: intron variant (3), 5 prime UTR variant (8).
Genome position (GRCh38, 1-based): chr16:23,635,929, A>G on the plus strand (T>C on the coding strand, the complement: PALB2 is on the minus strand). VCF-style: chr16-23635929-A-G. GRCh37 (hg19) VCF-style: chr16-23647250-A-G.
Other names: c.48+5181T>C (NM_001407314.1); c.-105+5181T>C (NM_001407313.1, NM_001407312.1); c.557T>C, p.Leu186Pro (NM_001407296.1); c.617T>C, p.Leu206Pro (NM_001407297.1, NM_001407298.1, NM_001407299.1 and 3 more transcripts); c.-269T>C (NM_001407304.1, NM_001407305.1, NM_001407306.1 and 5 more transcripts); short protein forms L206P, L186P.
Identifiers: ClinVar variation 3673116 (VCV003673116.2).